The following is an entry in ClinVar:

NM_182641.4(BPTF):c.3269G>T (p.Gly1090Val)

Gene: BPTF (bromodomain PHD finger transcription factor; plus strand). Cytogenetic location: 17q24.2.
Variant type: single nucleotide variant.
Coding change: c.3269G>T on transcript NM_182641.4 (MANE Select); coding-DNA position 3269, G replaced by T.
Protein change: p.Gly1090Val; replaces glycine 1090 with valine.
Molecular consequence: missense variant.
Genome position (GRCh38, 1-based): chr17:67,911,153, G>T. VCF-style: chr17-67911153-G-T. GRCh37 (hg19) VCF-style: chr17-65907269-G-T.
Other names: c.3647G>T, p.Gly1216Val (NM_004459.7); short protein forms G1090V, G1216V.
Identifiers: ClinVar variation 1970766 (VCV001970766.5), dbSNP rs866237695, ClinGen allele CA293262617.

ClinVar aggregate classification (germline): Uncertain significance (1 of 4 stars; one submission).

gnomAD v4.1: 1 of 1,613,924 alleles (0.000062%); highest among the groups gnomAD compares: African/African-American, 0.0013%; no homozygotes.

Submission:

Labcorp Genetics (formerly Invitae), Labcorp
Classification: Uncertain significance. Last evaluated: 2025-10-30. Review status: criteria provided, single submitter. Criteria: Invitae Variant Classification Sherloc (09022015). Collection method: clinical testing. Allele origin: germline.
Comment: This sequence change replaces glycine, which is neutral and non-polar, with valine, which is neutral and non-polar, at codon 1216 of the BPTF protein (p.Gly1216Val). This variant is not present in population databases (gnomAD no frequency). This variant has not been reported in the literature in individuals affected with BPTF-related conditions. ClinVar contains an entry for this variant (Variation ID: 1970766). An algorithm developed to predict the effect of missense changes on protein structure and function (PolyPhen-2) suggests that this variant is likely to be tolerated. In summary, the available evidence is currently insufficient to determine the role of this variant in disease. Therefore, it has been classified as a Variant of Uncertain Significance.